The following is an entry in ClinVar:

ClinVar aggregate classification (germline): Uncertain significance (1 of 4 stars; one submission).

gnomAD v4.1: 1 of 1,614,182 alleles (0.000062%); highest among the groups gnomAD compares: African/African-American, 0.0013%; no homozygotes.

Submission:

Ambry Genetics
Classification: Uncertain significance. Last evaluated: 2025-05-19. Review status: criteria provided, single submitter. Criteria: Ambry Variant Classification Scheme 2023. Collection method: clinical testing. Allele origin: germline.
Comment: The p.V1367I variant (also known as c.4099G>A), located in coding exon 14 of the CDK12 gene, results from a G to A substitution at nucleotide position 4099. The valine at codon 1367 is replaced by isoleucine, an amino acid with highly similar properties. This amino acid position is conserved. In addition, this alteration is predicted to be tolerated by in silico analysis. Based on the available evidence, the clinical significance of this variant remains unclear.

NM_016507.4(CDK12):c.4099G>A (p.Val1367Ile)

Gene: CDK12 (cyclin dependent kinase 12; plus strand). Cytogenetic location: 17q12.
Variant type: single nucleotide variant.
Coding change: c.4099G>A on transcript NM_016507.4 (MANE Select); coding-DNA position 4099, G replaced by A.
Protein change: p.Val1367Ile; replaces valine 1367 with isoleucine.
Molecular consequence: missense variant.
Genome position (GRCh38, 1-based): chr17:39,530,942, G>A. VCF-style: chr17-39530942-G-A. GRCh37 (hg19) VCF-style: chr17-37687195-G-A.
Other names: c.4072G>A, p.Val1358Ile (NM_015083.4); short protein forms V1358I, V1367I.
Identifiers: ClinVar variation 3999469 (VCV003999469.1).